The following is an entry in ClinVar:

ClinVar aggregate classification (germline): Uncertain significance (1 of 4 stars; one submission).

Submission:

Labcorp Genetics (formerly Invitae), Labcorp
Classification: Uncertain significance. Last evaluated: 2024-11-05. Review status: criteria provided, single submitter. Criteria: Invitae Variant Classification Sherloc (09022015). Collection method: clinical testing. Allele origin: germline.
Comment: This sequence change replaces leucine, which is neutral and non-polar, with valine, which is neutral and non-polar, at codon 1490 of the ADGRV1 protein (p.Leu1490Val). This variant is not present in population databases (gnomAD no frequency). This variant has not been reported in the literature in individuals affected with ADGRV1-related conditions. ClinVar contains an entry for this variant (Variation ID: 862959). Invitae Evidence Modeling of protein sequence and biophysical properties (such as structural, functional, and spatial information, amino acid conservation, physicochemical variation, residue mobility, and thermodynamic stability) indicates that this missense variant is not expected to disrupt ADGRV1 protein function with a negative predictive value of 95%. In summary, the available evidence is currently insufficient to determine the role of this variant in disease. Therefore, it has been classified as a Variant of Uncertain Significance.

NM_032119.4(ADGRV1):c.4468C>G (p.Leu1490Val)

Gene: ADGRV1 (adhesion G protein-coupled receptor V1; plus strand). Cytogenetic location: 5q14.3.
Variant type: single nucleotide variant.
Coding change: c.4468C>G on transcript NM_032119.4 (MANE Select); coding-DNA position 4468, C replaced by G.
Protein change: p.Leu1490Val; replaces leucine 1490 with valine.
Molecular consequence: missense variant. On other transcripts: non-coding transcript variant (1).
Genome position (GRCh38, 1-based): chr5:90,657,994, C>G. VCF-style: chr5-90657994-C-G. GRCh37 (hg19) VCF-style: chr5-89953811-C-G.
Other names: short protein forms L1490V.
Identifiers: ClinVar variation 862959 (VCV000862959.9), dbSNP rs794727346, ClinGen allele CA360403690.
Genomic context (GRCh38, chr5:90,657,994, plus strand): 5'-ATAAATGGCAATGACAGATTTACAGGTCTGATGCAGGATGTGAGGTCCTATGAGCGGAAA[C>G]TGACGCTTGAAGAAATTTATGAACTTCATGCCATGCCCGCAAAAAGTGATTTACACCCAA-3'
Protein context (NP_115495.3, residues 1480-1500): MQDVRSYERK[Leu1490Val]TLEEIYELHA